The following is an entry in ClinVar:

NM_001171.6(ABCC6):c.3940C>T (p.Arg1314Trp)

Gene: ABCC6 (ATP binding cassette subfamily C member 6; minus strand). Cytogenetic location: 16p13.11.
Variant type: single nucleotide variant.
Coding change: c.3940C>T on transcript NM_001171.6 (MANE Select); coding-DNA position 3940, C replaced by T.
Protein change: p.Arg1314Trp; replaces arginine 1314 with tryptophan.
Molecular consequence: missense variant. On other transcripts: non-coding transcript variant (1).
Genome position (GRCh38, 1-based): chr16:16,154,974, G>A on the plus strand (C>T on the coding strand, the complement: ABCC6 is on the minus strand). VCF-style: chr16-16154974-G-A. GRCh37 (hg19) VCF-style: chr16-16248831-G-A.
Other names: c.3598C>T, p.Arg1200Trp (NM_001351800.1); short protein forms R1314W, R1200W.
Identifiers: ClinVar variation 6564 (VCV000006564.20), dbSNP rs63750759, ClinGen allele CA129117.

ClinVar aggregate classification (germline): Pathogenic. Review status: criteria provided, multiple submitters, no conflicts (2 of 4 stars). 11 submissions from 10 submitters: Pathogenic (8). 3 of the submissions do not count toward it. Last evaluated 2026-09-21.

Conditions:
ABCC6-related disorder. Also called: ABCC6-related condition.
Autosomal recessive inherited pseudoxanthoma elasticum (PXE). Identifiers: Orphanet 758, MedGen CN032334, MONDO:0009925, OMIM 264800.
Pseudoxanthoma elasticum, forme fruste. Also called: PSEUDOXANTHOMA ELASTICUM, HETEROZYGOUS; Pseudoxanthoma Elasticum, Incomplete. Identifiers: Orphanet 758, MedGen C1867450, MONDO:0008333, OMIM 177850.
Arterial calcification, generalized, of infancy, 2. Identifiers: Orphanet 51608, MedGen C3276161, MONDO:0013768, OMIM 614473.

Allele frequency attached by ClinVar (database versions not stated): gnomAD 0.00069 and 0.00062; 1000 Genomes Project 0.00020; ExAC 0.00048; TOPMed 0.00067; 1000 Genomes Project 30x 0.00047.
gnomAD v4.1: 205 of 1,576,952 alleles (0.013%); highest among the groups gnomAD compares: African/African-American, 0.22%; no homozygotes.

Submissions (11):

PreventionGenetics, part of Exact Sciences
Classification: Pathogenic for ABCC6-related condition. Last evaluated: 2026-09-21. Review status: criteria provided, single submitter. Criteria: ACMG Guidelines, 2015. Collection method: clinical testing. Allele origin: germline.
Comment: The ABCC6 c.3940C>T variant is predicted to result in the amino acid substitution p.Arg1314Trp. This variant has been reported in the homozygous state, and the heterozygous state along with a causative variant, in multiple individuals with pseudoxanthoma elasticum (see, for example, Le Saux et al. 2000. PubMed ID: 10835642; Ramsay et al. 2009. PubMed ID: 19339160; Li et al. 2013. PubMed ID: 24008425; Mitre et al. 2018. PubMed ID: 30537162). It has also been reported, in the homozygous state or the heterozygous state along with a second causative variant, in two individuals with generalized arterial calcification in infancy (GACI; Nitschke et al. 2011. PubMed ID: 22209248). In vivo studies indicate that this variant results in abnormal protein cellular localization (Le Saux et al. 2011. PubMed ID: 21935449; Pomozi et al. 2013. PubMed ID: 24352041). In ClinVar this variant is interpreted as pathogenic (Variation iD: 6564). This variant is interpreted as pathogenic.

Labcorp Genetics (formerly Invitae), Labcorp
Classification: Pathogenic. Last evaluated: 2025-12-23. Review status: criteria provided, single submitter. Criteria: Invitae Variant Classification Sherloc (09022015). Collection method: clinical testing. Allele origin: germline.
Comment: This sequence change replaces arginine, which is basic and polar, with tryptophan, which is neutral and slightly polar, at codon 1314 of the ABCC6 protein (p.Arg1314Trp). This variant is present in population databases (rs63750759, gnomAD 0.3%). This missense change has been observed in individuals with pseudoxanthoma elasticum (PMID: 10835642, 16835894, 19339160, 30537162). ClinVar contains an entry for this variant (Variation ID: 6564). Invitae Evidence Modeling of protein sequence and biophysical properties (such as structural, functional, and spatial information, amino acid conservation, physicochemical variation, residue mobility, and thermodynamic stability) indicates that this missense variant is expected to disrupt ABCC6 protein function with a positive predictive value of 95%. Experimental studies have shown that this missense change affects ABCC6 function (PMID: 21935449, 23483032, 27994049). This variant disrupts the p.Arg1314 amino acid residue in ABCC6. Other variant(s) that disrupt this residue have been determined to be pathogenic (PMID: 29722917). This suggests that this residue is clinically significant, and that variants that disrupt this residue are likely to be disease-causing. For these reasons, this variant has been classified as Pathogenic.

Dasa
Classification: Pathogenic. Last evaluated: 2025-12-12. Review status: criteria provided, single submitter. Criteria: DASA Assertion Criteria. Collection method: clinical testing. Allele origin: germline.
Comment: NM_001171.6(ABCC6):c.3940C>T (p.Arg1314Trp) is a missense variant that results in the substitution of arginine with tryptophan. The affected residue or protein region has prior evidence supporting clinical relevance. Segregation evidence has been reported in affected families. This variant has been observed in affected individuals with related phenotype in a genotype context consistent with recessive disease (PMID: 10835642; PMID: 24008425; PMID: 19339160; PMID: 16835894; PMID: 27994049). Functional evidence supports a deleterious effect on the gene or gene product (PMID: 10835642; PMID: 24008425; PMID: 19339160; PMID: 16835894; PMID: 27994049). This variant has been recurrently observed in individuals with related phenotype (PMID: 10835642; PMID: 24008425; PMID: 19339160; PMID: 16835894; PMID: 27994049). Multiple computational predictions support a deleterious effect on the gene or gene product. The variant is present at low frequency in population datasets. Based on the available data, this variant is classified as pathogenic.

Laboratory of Genetics, Children's Clinical University Hospital Latvia
Classification: Pathogenic. Last evaluated: 2025-02-16. Review status: criteria provided, single submitter. Criteria: ACMG Guidelines, 2015. Collection method: clinical testing. Allele origin: germline. Affected: yes.

Blueprint Genetics
Classification: Pathogenic for ABCC6-related disorders. Last evaluated: 2024-11-05. Review status: criteria provided, single submitter. Criteria: ACMG Guidelines, 2015. Collection method: clinical testing. Allele origin: germline. Affected: yes. Observed: 5 variant alleles.

Fulgent Genetics
Classification: Pathogenic for Pseudoxanthoma elasticum, forme fruste; Autosomal recessive inherited pseudoxanthoma elasticum; Arterial calcification, generalized, of infancy, 2. Last evaluated: 2024-05-08. Review status: criteria provided, single submitter. Criteria: ACMG Guidelines, 2015. Collection method: clinical testing. Allele origin: germline.

GeneDx
Classification: Pathogenic. Last evaluated: 2022-07-26. Review status: criteria provided, single submitter. Criteria: GeneDx Variant Classification Process June 2021. Collection method: clinical testing. Allele origin: germline. Affected: yes.
Comment: Published functional studies demonstrate a damaging effect with R1314W resulting in abnormal protein trafficking and inappropriate intracellular accumulation (Le Saux et al., 2011); In silico analysis supports that this missense variant has a deleterious effect on protein structure/function; This variant is associated with the following publications: (PMID: 16392638, 22209248, 10835642, 30537162, 34205333, 34906475, 21935449, 24008425, 19339160, 24352041, 23483032, 27994049, 28102862, 28416300, 27826008, 32445016, 31589614, 34440381, 33005041, 32873932)

Juno Genomics, Hangzhou Juno Genomics, Inc
Classification: Pathogenic for Arterial calcification, generalized, of infancy, 2; Autosomal recessive inherited pseudoxanthoma elasticum; Pseudoxanthoma elasticum, forme fruste. Review status: criteria provided, single submitter. Criteria: ACMG Guidelines, 2015. Collection method: clinical testing. Allele origin: germline.
Comment: Absent from controls (or at extremely low frequency if recessive) in Genome Aggregation Database.;Well-established in vitro or in vivo functional studies supportive of a damaging effect on the gene or gene product.;For recessive disorders, detected in trans with a pathogenic variant.;Patient's phenotype or family history is highly specific for a disease with a single genetic etiology.

PXE International
Classification: Pathogenic for Autosomal recessive inherited pseudoxanthoma elasticum. Last evaluated: 2021-03-01. Review status: no assertion criteria provided. Collection method: research. Allele origin: germline. Inheritance: Autosomal recessive inheritance. Affected: yes. Observed: 20 variant alleles. Clinical features observed: Papule (HP:0200034), Skin plaque (HP:0200035), Angioid streaks (HP:0001102), Weak or absent arterial pulse, Vascular surgery, Retinal hemorrhage (HP:0000573), Kidney stone (HP:0000787), Angina pectoris (HP:0001681), Abnormal EKG (HP:0003115), Intermittent claudication (HP:0004417), Abnormally lax or hyperextensible skin (HP:0008067). Not counted in ClinVar's aggregate classification.

OMIM
Classification: Pathogenic for PSEUDOXANTHOMA ELASTICUM. Last evaluated: 2012-01-13. Review status: no assertion criteria provided. Collection method: literature only. Allele origin: germline. Not counted in ClinVar's aggregate classification.

OMIM
Classification: Pathogenic for ARTERIAL CALCIFICATION, GENERALIZED, OF INFANCY, 2. Last evaluated: 2012-01-13. Review status: no assertion criteria provided. Collection method: literature only. Allele origin: germline. Not counted in ClinVar's aggregate classification.

Literature cited by the submitters: PubMed 10835642 (cited by Labcorp Genetics (formerly Invitae), Labcorp and Dasa); PubMed 16835894 (cited by Labcorp Genetics (formerly Invitae), Labcorp and Dasa); PubMed 19339160 (cited by Labcorp Genetics (formerly Invitae), Labcorp and Dasa); PubMed 30537162 (cited by Labcorp Genetics (formerly Invitae), Labcorp); PubMed 21935449 (cited by Labcorp Genetics (formerly Invitae), Labcorp); PubMed 23483032 (cited by Labcorp Genetics (formerly Invitae), Labcorp); PubMed 27994049 (cited by Labcorp Genetics (formerly Invitae), Labcorp and Dasa); PubMed 29722917 (cited by Labcorp Genetics (formerly Invitae), Labcorp); PubMed 24008425 (cited by Dasa); PubMed 27826008 (cited by Dasa); PubMed 32873932 (cited by PXE International); PubMed 28102862 (cited by OMIM); PubMed 22209248 (cited by OMIM).